The following is an entry in ClinVar:

NM_000179.3(MSH6):c.3121G>C (p.Asp1041His)

Gene: MSH6 (mutS homolog 6; plus strand). Cytogenetic location: 2p16.3.
Variant type: single nucleotide variant.
Coding change: c.3121G>C on transcript NM_000179.3 (MANE Select); coding-DNA position 3121, G replaced by C.
Protein change: p.Asp1041His; replaces aspartic acid 1041 with histidine.
Molecular consequence: missense variant. On other transcripts: non-coding transcript variant (5), intron variant (2).
Genome position (GRCh38, 1-based): chr2:47,801,104, G>C. VCF-style: chr2-47801104-G-C. GRCh37 (hg19) VCF-style: chr2-48028243-G-C.
Other names: c.2953G>C, p.Asp985His (NM_001406826.1); c.2824G>C, p.Asp942His (NM_001406827.1, NM_001406828.1, NM_001406830.1 and 10 more transcripts); c.2215G>C, p.Asp739His (NM_001406829.1, NM_001406815.1, NM_001406816.1 and 6 more transcripts); c.1066G>C, p.Asp356His (NM_001407362.1); c.2308+813G>C (NM_001406803.1); c.1606+1515G>C (NM_001406817.1); c.3121G>C, p.Asp1041His (NM_001406809.1, NM_001406796.1, NM_001406798.1 and 2 more transcripts); c.3127G>C, p.Asp1043His (NM_001406813.1); and 4 more; short protein forms D1043H, D866H, D1015H, D1041H, D911H, D985H, D1073H, D356H.
Identifiers: ClinVar variation 5024904 (VCV005024904.1).
Genomic context (GRCh38, chr2:47,801,104, plus strand): 5'-GCTGAAGAACGGAGGGATGTATCATTGAAGGACTGCATGCGGCGACTGTTCTATAACTTT[G>C]ATAAAAATTACAAGGACTGGCAGTCTGCTGTAGAGTGTATCGCAGTGTTGGGTAAGACTT-3'
Protein context (NP_000170.1, residues 1031-1051): DCMRRLFYNF[Asp1041His]KNYKDWQSAV

ClinVar aggregate classification (germline): Uncertain significance (1 of 4 stars; one submission).

Conditions:
Hereditary cancer-predisposing syndrome. Also called: Neoplastic Syndromes, Hereditary; Tumor predisposition; Hereditary neoplastic syndrome; Hereditary Cancer Syndrome. Identifiers: Orphanet 140162, MedGen C0027672, MeSH D009386, MONDO:0015356.

Submission:

Ambry Genetics
Classification: Uncertain significance for Hereditary cancer-predisposing syndrome. Last evaluated: 2026-07-07. Review status: criteria provided, single submitter. Criteria: Ambry Variant Classification Scheme 2023. Collection method: clinical testing. Allele origin: germline.
Comment: The p.D1041H variant (also known as c.3121G>C), located in coding exon 4 of the MSH6 gene, results from a G to C substitution at nucleotide position 3121. The aspartic acid at codon 1041 is replaced by histidine, an amino acid with similar properties. This amino acid position is conserved. In addition, this alteration is predicted to be deleterious by in silico analysis. Based on the available evidence, the clinical significance of this variant remains unclear.